The following is an entry in ClinVar:

NM_022455.5(NSD1):c.2376C>T (p.Cys792=)

Gene: NSD1 (nuclear receptor binding SET domain protein 1; plus strand). Cytogenetic location: 5q35.3.
Variant type: single nucleotide variant.
Coding change: c.2376C>T on transcript NM_022455.5 (MANE Select); coding-DNA position 2376, C replaced by T.
Protein change: p.Cys792=; no amino-acid change (cysteine 792 retained).
Molecular consequence: synonymous variant.
Genome position (GRCh38, 1-based): chr5:177,210,775, C>T. VCF-style: chr5-177210775-C-T. GRCh37 (hg19) VCF-style: chr5-176637776-C-T.
Other names: c.1503C>T, p.Cys501= (NM_001365684.2, NM_001409306.1, NM_001409307.1 and 3 more transcripts); c.2376C>T, p.Cys792= (NM_001409301.1, NM_001409302.1, NM_001409303.1); c.1956C>T, p.Cys652= (NM_001409304.1); c.1623C>T, p.Cys541= (NM_001409305.1).
Identifiers: ClinVar variation 1582258 (VCV001582258.9), dbSNP rs368839996, ClinGen allele CA3577255.

ClinVar aggregate classification (germline): Likely benign. Review status: criteria provided, single submitter (1 of 4 stars). 2 submissions from 2 submitters: Likely benign (1). 1 of the submissions does not count toward it. Last evaluated 2021-11-02.

Conditions:
NSD1-related disorder. Also called: NSD1-related condition.

gnomAD v4.1: 4 of 1,614,136 alleles (0.00025%); highest among the groups gnomAD compares: South Asian, 0.0022%; no homozygotes.

Submissions (2):

Labcorp Genetics (formerly Invitae), Labcorp
Classification: Likely benign. Last evaluated: 2021-11-02. Review status: criteria provided, single submitter. Criteria: Invitae Variant Classification Sherloc (09022015). Collection method: clinical testing. Allele origin: germline.

PreventionGenetics, part of Exact Sciences
Classification: Likely benign for NSD1-related condition. Last evaluated: 2024-05-23. Review status: no assertion criteria provided. Collection method: clinical testing. Allele origin: germline. Not counted in ClinVar's aggregate classification.
Comment: This variant is classified as likely benign based on ACMG/AMP sequence variant interpretation guidelines (Richards et al. 2015 PMID: 25741868, with internal and published modifications).